The following is an entry in ClinVar:

NM_005732.4(RAD50):c.222_230del (p.Gln74_Asp77delinsHis)

Gene: RAD50 (RAD50 double strand break repair protein; plus strand). Cytogenetic location: 5q31.1.
Variant type: Deletion.
Coding change: c.222_230del on transcript NM_005732.4 (MANE Select); coding-DNA positions 222 to 230, 9 bases deleted (AGAAACAGA; older notation c.222_230delAGAAACAGA).
Protein change: p.Gln74_Asp77delinsHis.
Molecular consequence: inframe indel.
Genome position (GRCh38, 1-based): chr5:132,575,785-132,575,793, AGAAACAGA deleted; deleting any 9 consecutive bases within chr5:132,575,784-132,575,793 gives the same sequence; the c. name uses the placement nearest the transcript's 3' end. VCF-style (leftmost placement, unchanged base first): chr5-132575783-CAAGAAACAG-C. GRCh37 (hg19) VCF-style: chr5-131911475-CAAGAAACAG-C.
Identifiers: ClinVar variation 820915 (VCV000820915.4), dbSNP rs1580984946, ClinGen allele CA915943530.

ClinVar aggregate classification (germline): Uncertain significance (1 of 4 stars; one submission).

Conditions:
Hereditary cancer-predisposing syndrome. Also called: Neoplastic Syndromes, Hereditary; Tumor predisposition; Hereditary Cancer Syndrome; Hereditary neoplastic syndrome. Identifiers: Orphanet 140162, MedGen C0027672, MeSH D009386, MONDO:0015356.

Submission:

Ambry Genetics
Classification: Uncertain significance for Hereditary cancer-predisposing syndrome. Last evaluated: 2018-03-27. Review status: criteria provided, single submitter. Criteria: Ambry Variant Classification Scheme 2023. Collection method: clinical testing. Allele origin: germline.
Comment: The c.222_230delAGAAACAGA variant (also known as p.Q74_D77delinsH) is located in coding exon 3 of the RAD50 gene. This variant results from an in-frame AGAAACAGA deletion at nucleotide positions 222 to 230. This results in the substitution of QETD residues at amino acid positions 74 to 77 for a histidine. These amino acid positions are well conserved in available vertebrate species. In addition, this alteration is predicted to be deleterious by in silico analysis (Choi Y et al., PLoS ONE 2012; 7(10):e46688). Since supporting evidence is limited at this time, the clinical significance of this alteration remains unclear.